The following is an entry in ClinVar:

ClinVar aggregate classification (germline): Benign (0 of 4 stars; one submission).

Conditions:
SHROOM2-related disorder. Also called: SHROOM2-related condition.

Allele frequency attached by ClinVar (database versions not stated): ExAC 0.00388; 1000 Genomes Project 0.01033; gnomAD 0.01217; 1000 Genomes Project 30x 0.01228; TOPMed 0.01365; ESP Exome Variant Server 0.01401.

Submission:

PreventionGenetics, part of Exact Sciences
Classification: Benign for SHROOM2-related condition. Last evaluated: 2019-05-28. Review status: no assertion criteria provided. Collection method: clinical testing. Allele origin: germline.
Comment: This variant is classified as benign based on ACMG/AMP sequence variant interpretation guidelines (Richards et al. 2015 PMID: 25741868, with internal and published modifications).

NM_001649.4(SHROOM2):c.2458G>A (p.Gly820Arg)

Gene: SHROOM2 (shroom family member 2; plus strand). Cytogenetic location: Xp22.2.
Variant type: single nucleotide variant.
Coding change: c.2458G>A on transcript NM_001649.4 (MANE Select); coding-DNA position 2458, G replaced by A.
Protein change: p.Gly820Arg; replaces glycine 820 with arginine.
Molecular consequence: missense variant.
Genome position (GRCh38, 1-based): chrX:9,896,366, G>A. VCF-style: chrX-9896366-G-A. GRCh37 (hg19) VCF-style: chrX-9864406-G-A.
Other names: short protein forms G820R.
Identifiers: ClinVar variation 3041429 (VCV003041429.2), dbSNP rs61739700, ClinGen allele CA10345555.